The following is an entry in ClinVar:

ClinVar aggregate classification (germline): Uncertain significance (1 of 4 stars; one submission).

Conditions:
Renal cell carcinoma. Identifiers: Orphanet 217071, MedGen C0007134, MeSH D002292, MONDO:0005086, HP:0005584.

Submission:

Labcorp Genetics (formerly Invitae), Labcorp
Classification: Uncertain significance for Renal cell carcinoma. Last evaluated: 2022-01-27. Review status: criteria provided, single submitter. Criteria: Invitae Variant Classification Sherloc (09022015). Collection method: clinical testing. Allele origin: germline.
Comment: In summary, the available evidence is currently insufficient to determine the role of this variant in disease. Therefore, it has been classified as a Variant of Uncertain Significance. Algorithms developed to predict the effect of missense changes on protein structure and function are either unavailable or do not agree on the potential impact of this missense change (SIFT: "Tolerated"; PolyPhen-2: "Probably Damaging"; Align-GVGD: "Class C0"). This variant has not been reported in the literature in individuals affected with MET-related conditions. This variant is not present in population databases (gnomAD no frequency). This sequence change replaces threonine, which is neutral and polar, with isoleucine, which is neutral and non-polar, at codon 418 of the MET protein (p.Thr418Ile).

NM_000245.4(MET):c.1253C>T (p.Thr418Ile)

Gene: MET (MET proto-oncogene, receptor tyrosine kinase; plus strand). Cytogenetic location: 7q31.2.
Variant type: single nucleotide variant.
Coding change: c.1253C>T on transcript NM_000245.4 (MANE Select); coding-DNA position 1253, C replaced by T.
Protein change: p.Thr418Ile; replaces threonine 418 with isoleucine.
Molecular consequence: missense variant. On other transcripts: 5 prime UTR variant (1).
Genome position (GRCh38, 1-based): chr7:116,731,720, C>T. VCF-style: chr7-116731720-C-T. GRCh37 (hg19) VCF-style: chr7-116371774-C-T.
Other names: c.1253C>T, p.Thr418Ile (NM_001127500.3, NM_001324401.3); c.-38C>T (NM_001324402.2); short protein forms T418I.
Identifiers: ClinVar variation 1365773 (VCV001365773.8), dbSNP rs2116780591, ClinGen allele CA368972780.